The following is an entry in ClinVar:

NM_138694.4(PKHD1):c.11285C>T (p.Pro3762Leu)

Gene: PKHD1 (PKHD1 ciliary IPT domain containing fibrocystin/polyductin; minus strand). Cytogenetic location: 6p12.3.
Variant type: single nucleotide variant.
Coding change: c.11285C>T on transcript NM_138694.4 (MANE Select); coding-DNA position 11285, C replaced by T.
Protein change: p.Pro3762Leu; replaces proline 3762 with leucine.
Molecular consequence: missense variant.
Genome position (GRCh38, 1-based): chr6:51,649,110, G>A on the plus strand (C>T on the coding strand, the complement: PKHD1 is on the minus strand). VCF-style: chr6-51649110-G-A. GRCh37 (hg19) VCF-style: chr6-51513908-G-A.
Other names: c.11285C>T (NM_138694.3); short protein forms P3762L.
Identifiers: ClinVar variation 2415356 (VCV002415356.8), dbSNP rs2533303930, ClinGen allele CA364425839.

ClinVar aggregate classification (germline): Likely pathogenic. Review status: criteria provided, multiple submitters, no conflicts (2 of 4 stars). 2 submissions from 2 submitters: Likely pathogenic (2). Last evaluated 2025-12-22.

Conditions:
Autosomal recessive polycystic kidney disease (ARPKD). Also called: AR polycystic kidney disease. Identifiers: Orphanet 731, Orphanet 8378, MedGen C0085548, MeSH D017044, MONDO:0009889.
PKHD1-related disorder. Also called: PKHD1-related condition.

Allele frequency attached by ClinVar (database versions not stated): gnomAD exomes below 0.00001.
gnomAD v4.1: 1 of 1,613,812 alleles (0.000062%); highest among the groups gnomAD compares: Non-Finnish European, 0.000085%; no homozygotes.

Submissions (2):

PreventionGenetics, part of Exact Sciences
Classification: Likely pathogenic for PKHD1-related condition. Last evaluated: 2025-12-22. Review status: criteria provided, single submitter. Criteria: ACMG Guidelines, 2015. Collection method: clinical testing. Allele origin: germline.
Comment: The PKHD1 c.11285C>T variant is predicted to result in the amino acid substitution p.Pro3762Leu. To our knowledge, this variant has not been reported in the literature or in a large population database (gnomAD), indicating this variant is rare. The REVEL (rare exome variant ensemble learner) program predicts this variant is pathogenic at a "moderate" level (Ioannidis et al. 2016. PubMed ID: 27666373; Bergquist et al. 2024. PubMed ID: 39345488). In addition, this variant is listed as likely pathogenic in ClinVar by one clinical laboratory (Variation ID: 2415356). Of note, a different substitution at the same codon, defined as c.11284C>A (p.Pro3762Thr), was reported in the compound heterozygous state with different pathogenic variants in individuals with ARPKD, respectively (Supplementary Table 2, Schueler et al. 2016. PubMed ID: 26673778; Losekoot et al. 2005. PubMed ID: 16133180). In summary, the c.11285C>T (p.Pro3762Leu) variant is interpreted as likely pathogenic.

Labcorp Genetics (formerly Invitae), Labcorp
Classification: Likely pathogenic for Autosomal recessive polycystic kidney disease. Last evaluated: 2022-08-19. Review status: criteria provided, single submitter. Criteria: Invitae Variant Classification Sherloc (09022015). Collection method: clinical testing. Allele origin: germline.
Comment: In summary, the currently available evidence indicates that the variant is pathogenic, but additional data are needed to prove that conclusively. Therefore, this variant has been classified as Likely Pathogenic. This variant disrupts the p.Pro3762 amino acid residue in PKHD1. Other variant(s) that disrupt this residue have been determined to be pathogenic (PMID: 16133180, 26673778). This suggests that this residue is clinically significant, and that variants that disrupt this residue are likely to be disease-causing. Advanced modeling of protein sequence and biophysical properties (such as structural, functional, and spatial information, amino acid conservation, physicochemical variation, residue mobility, and thermodynamic stability) performed at Invitae indicates that this missense variant is expected to disrupt PKHD1 protein function. This variant has not been reported in the literature in individuals affected with PKHD1-related conditions. This variant is not present in population databases (gnomAD no frequency). This sequence change replaces proline, which is neutral and non-polar, with leucine, which is neutral and non-polar, at codon 3762 of the PKHD1 protein (p.Pro3762Leu).

Literature cited by the submitters: PubMed 16133180 (cited by Labcorp Genetics (formerly Invitae), Labcorp); PubMed 26673778 (cited by Labcorp Genetics (formerly Invitae), Labcorp).